The following is an entry in ClinVar:

ClinVar aggregate classification (germline): Uncertain significance (1 of 4 stars; one submission).

Submission:

GeneDx
Classification: Uncertain significance. Last evaluated: 2023-08-07. Review status: criteria provided, single submitter. Criteria: GeneDx Variant Classification Process June 2021. Collection method: clinical testing. Allele origin: germline. Affected: yes.
Comment: In silico analysis supports that this missense variant has a deleterious effect on protein structure/function; Has not been previously published as pathogenic or benign to our knowledge

NM_001372044.2(SHANK3):c.3899G>T (p.Gly1300Val)

Gene: SHANK3 (SH3 and multiple ankyrin repeat domains 3; plus strand). Cytogenetic location: 22q13.33.
Variant type: single nucleotide variant.
Coding change: c.3899G>T on transcript NM_001372044.2 (MANE Select); coding-DNA position 3899, G replaced by T.
Protein change: p.Gly1300Val; replaces glycine 1300 with valine.
Molecular consequence: missense variant.
Genome position (GRCh38, 1-based): chr22:50,721,507, G>T. VCF-style: chr22-50721507-G-T. GRCh37 (hg19) VCF-style: chr22-51159935-G-T.
Other names: c.3674G>T (NM_033517.1); short protein forms G1300V.
Identifiers: ClinVar variation 3342680 (VCV003342680.1).